The following is an entry in ClinVar:

ClinVar aggregate classification (germline): Uncertain significance (1 of 4 stars; one submission).

Allele frequency attached by ClinVar (database versions not stated): gnomAD exomes below 0.00001; ExAC 0.00001; TOPMed 0.00002.

Submission:

Labcorp Genetics (formerly Invitae), Labcorp
Classification: Uncertain significance. Last evaluated: 2025-07-10. Review status: criteria provided, single submitter. Criteria: Invitae Variant Classification Sherloc (09022015). Collection method: clinical testing. Allele origin: germline.
Comment: This sequence change replaces histidine, which is basic and polar, with tyrosine, which is neutral and polar, at codon 150 of the FAM161A protein (p.His150Tyr). This variant is present in population databases (rs777973423, gnomAD 0.003%). This variant has not been reported in the literature in individuals affected with FAM161A-related conditions. ClinVar contains an entry for this variant (Variation ID: 2199184). Invitae Evidence Modeling of protein sequence and biophysical properties (such as structural, functional, and spatial information, amino acid conservation, physicochemical variation, residue mobility, and thermodynamic stability) has been performed for this missense variant. However, the output from this modeling did not meet the statistical confidence thresholds required to predict the impact of this variant on FAM161A protein function. In summary, the available evidence is currently insufficient to determine the role of this variant in disease. Therefore, it has been classified as a Variant of Uncertain Significance.

NM_001201543.2(FAM161A):c.448C>T (p.His150Tyr)

Gene: FAM161A (FAM161 centrosomal protein A; minus strand). Cytogenetic location: 2p15.
Variant type: single nucleotide variant.
Coding change: c.448C>T on transcript NM_001201543.2 (MANE Select); coding-DNA position 448, C replaced by T.
Protein change: p.His150Tyr; replaces histidine 150 with tyrosine.
Molecular consequence: missense variant.
Genome position (GRCh38, 1-based): chr2:61,840,556, G>A on the plus strand (C>T on the coding strand, the complement: FAM161A is on the minus strand). VCF-style: chr2-61840556-G-A. GRCh37 (hg19) VCF-style: chr2-62067691-G-A.
Other names: c.448C>T, p.His150Tyr (NM_032180.3); short protein forms H150Y.
Identifiers: ClinVar variation 2199184 (VCV002199184.3), dbSNP rs777973423, ClinGen allele CA1679350.